The following is an entry in ClinVar:

NM_000257.4(MYH7):c.3545C>T (p.Thr1182Met)

Gene: MYH7 (myosin heavy chain 7; minus strand). Cytogenetic location: 14q11.2.
Variant type: single nucleotide variant.
Coding change: c.3545C>T on transcript NM_000257.4 (MANE Select); coding-DNA position 3545, C replaced by T.
Protein change: p.Thr1182Met; replaces threonine 1182 with methionine.
Molecular consequence: missense variant.
Genome position (GRCh38, 1-based): chr14:23,420,026, G>A on the plus strand (C>T on the coding strand, the complement: MYH7 is on the minus strand). VCF-style: chr14-23420026-G-A. GRCh37 (hg19) VCF-style: chr14-23889235-G-A.
Other names: c.3545C>T, p.Thr1182Met (NM_001407004.1); short protein forms T1182M.
Identifiers: ClinVar variation 1732519 (VCV001732519.7), dbSNP rs1383737531, ClinGen allele CA389043524.

ClinVar aggregate classification (germline): Uncertain significance. Review status: criteria provided, multiple submitters, no conflicts (2 of 4 stars). 2 submissions from 2 submitters: Uncertain significance (2). Last evaluated 2023-03-16.

Conditions:
Cardiovascular phenotype. Identifiers: MedGen CN230736.
Hypertrophic cardiomyopathy. Also called: HYPERTROPHIC MYOCARDIOPATHY. Identifiers: Orphanet 217569, MedGen C0007194, MeSH D002312, MONDO:0005045, HP:0001639.

gnomAD v4.1: 6 of 1,578,264 alleles (0.00038%); highest among the groups gnomAD compares: Non-Finnish European, 0.00052%; no homozygotes.

Submissions (2):

Ambry Genetics
Classification: Uncertain significance for Cardiovascular phenotype. Last evaluated: 2023-03-16. Review status: criteria provided, single submitter. Criteria: Ambry Variant Classification Scheme 2023. Collection method: clinical testing. Allele origin: germline.
Comment: The p.T1182M variant (also known as c.3545C>T), located in coding exon 25 of the MYH7 gene, results from a C to T substitution at nucleotide position 3545. The threonine at codon 1182 is replaced by methionine, an amino acid with similar properties. This amino acid position is highly conserved in available vertebrate species. In addition, this alteration is predicted to be deleterious by in silico analysis. Since supporting evidence is limited at this time, the clinical significance of this alteration remains unclear.

Labcorp Genetics (formerly Invitae), Labcorp
Classification: Uncertain significance for Hypertrophic cardiomyopathy. Last evaluated: 2022-04-25. Review status: criteria provided, single submitter. Criteria: Invitae Variant Classification Sherloc (09022015). Collection method: clinical testing. Allele origin: germline.
Comment: This sequence change replaces threonine, which is neutral and polar, with methionine, which is neutral and non-polar, at codon 1182 of the MYH7 protein (p.Thr1182Met). In summary, the available evidence is currently insufficient to determine the role of this variant in disease. Therefore, it has been classified as a Variant of Uncertain Significance. Algorithms developed to predict the effect of missense changes on protein structure and function are either unavailable or do not agree on the potential impact of this missense change (SIFT: "Deleterious"; PolyPhen-2: "Probably Damaging"; Align-GVGD: "Class C0"). This variant has not been reported in the literature in individuals affected with MYH7-related conditions. This variant is present in population databases (no rsID available, gnomAD 0.001%).